The following is an entry in ClinVar:

NM_000301.5(PLG):c.1637C>T (p.Thr546Ile)

Gene: PLG (plasminogen; plus strand). Cytogenetic location: 6q26.
Variant type: single nucleotide variant.
Coding change: c.1637C>T on transcript NM_000301.5 (MANE Select); coding-DNA position 1637, C replaced by T.
Protein change: p.Thr546Ile; replaces threonine 546 with isoleucine.
Molecular consequence: missense variant.
Genome position (GRCh38, 1-based): chr6:160,734,044, C>T. VCF-style: chr6-160734044-C-T. GRCh37 (hg19) VCF-style: chr6-161155076-C-T.
Other names: short protein forms T546I.
Identifiers: ClinVar variation 2771621 (VCV002771621.3), dbSNP rs768997330, ClinGen allele CA4087846.

ClinVar aggregate classification (germline): Uncertain significance (1 of 4 stars; one submission).

Allele frequency attached by ClinVar (database versions not stated): ExAC 0.00002.

Submission:

Labcorp Genetics (formerly Invitae), Labcorp
Classification: Uncertain significance. Last evaluated: 2025-06-12. Review status: criteria provided, single submitter. Criteria: Invitae Variant Classification Sherloc (09022015). Collection method: clinical testing. Allele origin: germline.
Comment: This sequence change replaces threonine, which is neutral and polar, with isoleucine, which is neutral and non-polar, at codon 546 of the PLG protein (p.Thr546Ile). The frequency data for this variant in the population databases is considered unreliable, as metrics indicate poor data quality at this position in the gnomAD database. This variant has not been reported in the literature in individuals affected with PLG-related conditions. ClinVar contains an entry for this variant (Variation ID: 2771621). Invitae Evidence Modeling of protein sequence and biophysical properties (such as structural, functional, and spatial information, amino acid conservation, physicochemical variation, residue mobility, and thermodynamic stability) indicates that this missense variant is not expected to disrupt PLG protein function with a negative predictive value of 80%. In summary, the available evidence is currently insufficient to determine the role of this variant in disease. Therefore, it has been classified as a Variant of Uncertain Significance.